The following is an entry in ClinVar:

ClinVar aggregate classification (germline): Uncertain significance (1 of 4 stars; one submission).

Conditions:
Hereditary cancer-predisposing syndrome. Also called: Neoplastic Syndromes, Hereditary; Tumor predisposition; Hereditary Cancer Syndrome; Hereditary neoplastic syndrome. Identifiers: Orphanet 140162, MedGen C0027672, MeSH D009386, MONDO:0015356.

Submission:

Ambry Genetics
Classification: Uncertain significance for Hereditary cancer-predisposing syndrome. Last evaluated: 2026-05-08. Review status: criteria provided, single submitter. Criteria: Ambry Variant Classification Scheme 2023. Collection method: clinical testing. Allele origin: germline.
Comment: The c.2342_2353dup12 variant (also known as p.A781_E784dup), located in coding exon 21 of the POLE gene, results from an in-frame duplication of 12 nucleotides at nucleotide positions 2342 to 2353. This results in the duplication of 4 extra residues (AAVE) between codons 781 and 784. This amino acid region is not well conserved in available vertebrate species. In addition, this variant is predicted to be deleterious by in silico analysis (Choi Y et al. PLoS ONE. 2012; 7(10):e46688). Based on the available evidence, the clinical significance of this variant remains unclear.

NM_006231.4(POLE):c.2342_2353dup (p.Glu784_Val785insAlaAlaValGlu)

Gene: POLE (DNA polymerase epsilon, catalytic subunit; minus strand). Cytogenetic location: 12q24.33.
Variant type: Duplication.
Coding change: c.2342_2353dup on transcript NM_006231.4 (MANE Select); coding-DNA positions 2342 to 2353, 12 bases duplicated (CGGCCGTGGAGG).
Protein change: p.Glu784_Val785insAlaAlaValGlu.
Molecular consequence: inframe insertion.
Genome position (GRCh38, 1-based): chr12:132,665,417-132,665,428, CCTCCACGGCCG duplicated on the plus strand (CGGCCGTGGAGG on the coding strand, the reverse complement: POLE is on the minus strand); duplicating any 12 consecutive bases within chr12:132,665,417-132,665,430 gives the same sequence; the c. name uses the placement nearest the transcript's 3' end. VCF-style (leftmost placement, unchanged base first): chr12-132665416-A-ACCTCCACGGCCG. GRCh37 (hg19) VCF-style: chr12-133242002-A-ACCTCCACGGCCG.
Identifiers: ClinVar variation 4862300 (VCV004862300.1).
Genomic context (GRCh38, chr12:132,665,416, plus strand): 5'-TGCAGCGAGTCATACAGCACCTCCATGTTCTTGCAGCGCTTCACCTCAGCCGCGTCGCCC[A>ACCTCCACGGCCG]CCTCCACGGCCGCCGAGAGCTTCTTTTTCCACACCTGAGAAGCACATGAACATGGAGCAC-3'